The following is an entry in ClinVar:

NM_002519.3(NPAT):c.3182G>C (p.Arg1061Thr)

Gene: NPAT (nuclear protein, coactivator of histone transcription; minus strand). Cytogenetic location: 11q22.3.
Variant type: single nucleotide variant.
Coding change: c.3182G>C on transcript NM_002519.3 (MANE Select); coding-DNA position 3182, G replaced by C.
Protein change: p.Arg1061Thr; replaces arginine 1061 with threonine.
Molecular consequence: missense variant.
Genome position (GRCh38, 1-based): chr11:108,161,904, C>G on the plus strand (G>C on the coding strand, the complement: NPAT is on the minus strand). VCF-style: chr11-108161904-C-G. GRCh37 (hg19) VCF-style: chr11-108032631-C-G.
Other names: c.3203G>C, p.Arg1068Thr (NM_001321307.1); short protein forms R1068T, R1061T.
Identifiers: ClinVar variation 2562559 (VCV002562559.5), dbSNP rs770361872, ClinGen allele CA6263628.

ClinVar aggregate classification (germline): Uncertain significance. Review status: criteria provided, multiple submitters, no conflicts (2 of 4 stars). 2 submissions from 2 submitters: Uncertain significance (2). Last evaluated 2023-05-28.

Allele frequency attached by ClinVar (database versions not stated): gnomAD exomes below 0.00001; TOPMed below 0.00001; ExAC 0.00001; gnomAD 0.00001.
gnomAD v4.1: 2 of 1,612,594 alleles (0.00012%); highest among the groups gnomAD compares: Non-Finnish European, 0.00017%; no homozygotes.

Submissions (2):

Labcorp Genetics (formerly Invitae), Labcorp
Classification: Uncertain significance. Last evaluated: 2023-05-28. Review status: criteria provided, single submitter. Criteria: Invitae Variant Classification Sherloc (09022015). Collection method: clinical testing. Allele origin: germline.
Comment: This sequence change replaces arginine, which is basic and polar, with threonine, which is neutral and polar, at codon 1061 of the NPAT protein (p.Arg1061Thr). This variant is present in population databases (rs770361872, gnomAD 0.0009%). This variant has not been reported in the literature in individuals affected with NPAT-related conditions. An algorithm developed to predict the effect of missense changes on protein structure and function (PolyPhen-2) suggests that this variant is likely to be disruptive. In summary, the available evidence is currently insufficient to determine the role of this variant in disease. Therefore, it has been classified as a Variant of Uncertain Significance.

Ambry Genetics
Classification: Uncertain significance. Last evaluated: 2023-03-25. Review status: criteria provided, single submitter. Criteria: Ambry Variant Classification Scheme 2023. Collection method: clinical testing. Allele origin: germline.
Comment: The p.R1061T variant (also known as c.3182G>C), located in coding exon 17 of the NPAT gene, results from a G to C substitution at nucleotide position 3182. The arginine at codon 1061 is replaced by threonine, an amino acid with similar properties. This amino acid position is conserved. In addition, this alteration is predicted to be tolerated by in silico analysis. Since supporting evidence is limited at this time, the clinical significance of this alteration remains unclear.